The following is an entry in ClinVar:

NM_001291867.2(NHS):c.617C>T (p.Pro206Leu)

Gene: NHS (NHS actin remodeling regulator; plus strand). Cytogenetic location: Xp22.13.
Variant type: single nucleotide variant.
Coding change: c.617C>T on transcript NM_001291867.2 (MANE Select); coding-DNA position 617, C replaced by T.
Protein change: p.Pro206Leu; replaces proline 206 with leucine.
Molecular consequence: missense variant.
Genome position (GRCh38, 1-based): chrX:17,687,793, C>T. VCF-style: chrX-17687793-C-T. GRCh37 (hg19) VCF-style: chrX-17705913-C-T.
Other names: c.86C>T, p.Pro29Leu (NM_001136024.4, NM_001291868.2); c.617C>T, p.Pro206Leu (NM_198270.4); short protein forms P206L, P29L.
Identifiers: ClinVar variation 3368498 (VCV003368498.1).

ClinVar aggregate classification (germline): Uncertain significance (1 of 4 stars; one submission).

gnomAD v4.1: 1 of 1,212,033 alleles (0.000083%); highest among the groups gnomAD compares: Non-Finnish European, 0.00011%; no homozygotes.

Submission:

GeneDx
Classification: Uncertain significance. Last evaluated: 2024-01-28. Review status: criteria provided, single submitter. Criteria: GeneDx Variant Classification Process June 2021. Collection method: clinical testing. Allele origin: germline. Affected: yes.
Comment: Not observed at significant frequency in large population cohorts (gnomAD); In silico analysis supports that this missense variant has a deleterious effect on protein structure/function; Has not been previously published as pathogenic or benign to our knowledge